The following is an entry in ClinVar:

ClinVar aggregate classification (germline): Uncertain significance. Review status: criteria provided, multiple submitters, no conflicts (2 of 4 stars). 2 submissions from 2 submitters: Uncertain significance (2). Last evaluated 2025-05-05.

Conditions:
Inborn genetic diseases. Identifiers: MedGen C0950123, MeSH D030342.

Allele frequency attached by ClinVar (database versions not stated): gnomAD 0.00005; gnomAD exomes 0.00012.
gnomAD v4.1: 127 of 1,168,132 alleles (0.011%); highest among the groups gnomAD compares: Non-Finnish European, 0.013%; no homozygotes.

Submissions (2):

Labcorp Genetics (formerly Invitae), Labcorp
Classification: Uncertain significance. Last evaluated: 2025-05-05. Review status: criteria provided, single submitter. Criteria: Invitae Variant Classification Sherloc (09022015). Collection method: clinical testing. Allele origin: germline.
Comment: This sequence change replaces arginine, which is basic and polar, with serine, which is neutral and polar, at codon 1222 of the GRIN2D protein (p.Arg1222Ser). This variant is present in population databases (no rsID available, gnomAD 0.007%). This missense change has been observed in individuals with clinical features of GRIN2D-related conditions (internal data). ClinVar contains an entry for this variant (Variation ID: 1434266). Invitae Evidence Modeling of protein sequence and biophysical properties (such as structural, functional, and spatial information, amino acid conservation, physicochemical variation, residue mobility, and thermodynamic stability) indicates that this missense variant is not expected to disrupt GRIN2D protein function with a negative predictive value of 95%. In summary, the available evidence is currently insufficient to determine the role of this variant in disease. Therefore, it has been classified as a Variant of Uncertain Significance.

Ambry Genetics
Classification: Uncertain significance for Inborn genetic diseases. Last evaluated: 2025-01-09. Review status: criteria provided, single submitter. Criteria: Ambry Variant Classification Scheme 2023. Collection method: clinical testing. Allele origin: germline.

NM_000836.4(GRIN2D):c.3664C>A (p.Arg1222Ser)

Gene: GRIN2D (glutamate ionotropic receptor NMDA type subunit 2D; plus strand). Cytogenetic location: 19q13.33.
Variant type: single nucleotide variant.
Coding change: c.3664C>A on transcript NM_000836.4 (MANE Select); coding-DNA position 3664, C replaced by A.
Protein change: p.Arg1222Ser; replaces arginine 1222 with serine.
Molecular consequence: missense variant.
Genome position (GRCh38, 1-based): chr19:48,443,590, C>A. VCF-style: chr19-48443590-C-A. GRCh37 (hg19) VCF-style: chr19-48946847-C-A.
Other names: c.3664C>A (NM_000836.2); short protein forms R1222S.
Identifiers: ClinVar variation 1434266 (VCV001434266.7), dbSNP rs1281771004, ClinGen allele CA406677425.